The following is an entry in ClinVar:

ClinVar aggregate classification (germline): Benign. Review status: reviewed by expert panel (3 of 4 stars). 17 submissions from 17 submitters: Benign (1). 16 of the submissions do not count toward it. Last evaluated 2015-01-12.
ClinVar aggregate classification (somatic clinical impact): Tier IV - Benign/Likely benign (0 of 4 stars; one submission).

Conditions:
Hereditary cancer-predisposing syndrome. Also called: Tumor predisposition; Hereditary neoplastic syndrome; Hereditary Cancer Syndrome; Neoplastic Syndromes, Hereditary. Identifiers: Orphanet 140162, MedGen C0027672, MeSH D009386, MONDO:0015356.
Hereditary breast ovarian cancer syndrome. Also called: Hereditary breast and/or ovarian cancer syndrome; Breast and ovarian cancer; Hereditary breast and ovarian cancer syndrome; Hereditary breast and ovarian cancer; Hereditary breast and ovarian cancer syndrome (HBOC); BRCA1- and BRCA2-Associated Hereditary Breast and Ovarian Cancer. Identifiers: Orphanet 145, MedGen C0677776, MeSH D061325, MONDO:0003582. Disease mechanism: loss of function.
Breast-ovarian cancer, familial, susceptibility to, 1 (BROVCA1). Also called: BRCA1 Hereditary Breast and Ovarian Cancer; OVARIAN CANCER, SUSCEPTIBILITY TO. Identifiers: Orphanet 145, MedGen C2676676, MONDO:0011450, OMIM 604370. Disease mechanism: loss of function.
Familial cancer of breast. Also called: Hereditary breast cancer; hereditary breast carcinoma; BREAST CANCER, FAMILIAL. Identifiers: Orphanet 227535, MedGen C0346153, MONDO:0016419, OMIM 114480. Disease mechanism: loss of function.

Allele frequency attached by ClinVar (database versions not stated): 1000 Genomes Project 0.09864; 1000 Genomes Project 30x 0.09869; TOPMed 0.14769; gnomAD 0.15683 and 0.15730; gnomAD exomes 0.17302; ExAC 0.17379; ESP Exome Variant Server 0.17569.
gnomAD v4.1: 314,168 of 1,516,640 alleles (21%); highest among the groups gnomAD compares: Non-Finnish European, 24%; 35,728 homozygotes.

Submissions (18):

Evidence-based Network for the Interpretation of Germline Mutant Alleles (ENIGMA)
Classification: Benign for Breast-ovarian cancer, familial 1. Last evaluated: 2015-01-12. Review status: reviewed by expert panel. Criteria: ENIGMA BRCA1/2 Classification Criteria (2015). Collection method: curation. Allele origin: germline.
Comment: Class 1 not pathogenic based on frequency >1% in an outbred sampleset. Frequency 0.0122 (African), 0.219 (European), derived from 1000 genomes (2012-04-30).

Labcorp Genetics (formerly Invitae), Labcorp
Classification: Benign for Hereditary breast ovarian cancer syndrome. Last evaluated: 2026-01-26. Review status: criteria provided, single submitter. Criteria: Invitae Variant Classification Sherloc (09022015). Collection method: clinical testing. Allele origin: germline. Not counted in ClinVar's aggregate classification.

KCCC/NGS Laboratory, Kuwait Cancer Control Center
Classification: Benign for Breast-ovarian cancer, familial, susceptibility to, 1. Last evaluated: 2023-07-07. Review status: criteria provided, single submitter. Criteria: ACMG Guidelines, 2015. Collection method: clinical testing. Allele origin: germline. Affected: yes. Not counted in ClinVar's aggregate classification.

National Health Laboratory Service, Universitas Academic Hospital and University of the Free State
Classification: Benign for Hereditary breast ovarian cancer syndrome. Last evaluated: 2022-04-19. Review status: criteria provided, single submitter. Criteria: ACMG Guidelines, 2015. Collection method: clinical testing. Allele origin: germline. Affected: yes. Observed: 160 variant alleles. Not counted in ClinVar's aggregate classification.

ARUP Laboratories, Molecular Genetics and Genomics, ARUP Laboratories
Classification: Benign. Last evaluated: 2020-04-24. Review status: criteria provided, single submitter. Criteria: ARUP Molecular Germline Variant Investigation Process. Collection method: clinical testing. Allele origin: germline. Not counted in ClinVar's aggregate classification.

GeneKor MSA
Classification: Benign. Last evaluated: 2017-11-01. Review status: criteria provided, single submitter. Criteria: ACMG Guidelines, 2015. Collection method: clinical testing. Allele origin: germline. Affected: yes. Not counted in ClinVar's aggregate classification.

Color Diagnostics, LLC DBA Color Health
Classification: Benign for Hereditary cancer-predisposing syndrome. Last evaluated: 2015-03-05. Review status: criteria provided, single submitter. Criteria: ACMG Guidelines, 2015. Collection method: clinical testing. Allele origin: germline. Not counted in ClinVar's aggregate classification.

GeneDx
Classification: Benign. Last evaluated: 2015-03-03. Review status: criteria provided, single submitter. Criteria: GeneDx Variant Classification Process June 2021. Collection method: clinical testing. Allele origin: germline. Affected: yes. Not counted in ClinVar's aggregate classification.
Comment: This variant is associated with the following publications: (PMID: 23249957, 27223485, 15564800)

Ambry Genetics
Classification: Benign for Hereditary cancer-predisposing syndrome. Last evaluated: 2014-11-18. Review status: criteria provided, single submitter. Criteria: Ambry Variant Classification Scheme 2023. Collection method: clinical testing. Allele origin: germline. Not counted in ClinVar's aggregate classification.

Molecular Genetics Laboratory, University of Michigan
Classification: Benign for Breast-ovarian cancer, familial, susceptibility to, 1. Last evaluated: 2014-11-03. Review status: criteria provided, single submitter. Criteria: ACMG Guidelines, 2015. Collection method: clinical testing. Allele origin: germline. Affected: yes. Not counted in ClinVar's aggregate classification.

Breakthrough Genomics
Classification: Benign. Review status: criteria provided, single submitter. Criteria: ACMG Guidelines, 2015. Collection method: not provided. Allele origin: germline. Inheritance: Autosomal recessive inheritance. Affected: yes. Not counted in ClinVar's aggregate classification.

GreenArray Genomic Research & Solutions of Accurate Diagnostic Private Limited
Classification: Benign for Breast-ovarian cancer, familial, susceptibility to, 1. Review status: criteria provided, single submitter. Criteria: ACMG Guidelines, 2015. Collection method: clinical testing. Allele origin: germline. Affected: no. Not counted in ClinVar's aggregate classification.

Breast Cancer Information Core (BIC) (BRCA1)
No classification provided. Condition: Breast-ovarian cancer, familial 1. Review status: no classification provided. Collection method: clinical testing. Allele origin: germline, unknown. Affected: yes. Observed: 633 variant alleles. Not counted in ClinVar's aggregate classification.

Clinical Genetics Laboratory, Department of Pathology, Netherlands Cancer Institute
Classification: Benign. Review status: no assertion criteria provided. Collection method: clinical testing. Allele origin: germline. Affected: yes. Study: VKGL Data-share Consensus. Not counted in ClinVar's aggregate classification.

Department of Pathology and Laboratory Medicine, Sinai Health System
Classification: Benign. Review status: no assertion criteria provided. Collection method: clinical testing. Allele origin: unknown. Affected: yes. Observed: 2 variant alleles. Study: The Canadian Open Genetics Repository (COGR). Not counted in ClinVar's aggregate classification.

Faculté Pluridciplinaire Nador, Université Mohamed Premier
Classification: Tier IV - Benign/Likely benign for Familial cancer of breast. Review status: no assertion criteria provided. Collection method: research. Allele origin: somatic. Affected: yes.
Comment: The following databases and algorithms are used to annotate and evaluate the impact of the variant in the context of human disease: 1000 genomes, gnomAD, ClinVar, OMIM, dbSNP, NCIB RefSeq Genes, ExAC Gene Constraints, VS-SIFT, VS-PolyPhen2, PhyloP, GERP++, GeneSplicer, MaxEntScan, NNSplice, PWM Splice Predictor.

Genome Diagnostics Laboratory, University Medical Center Utrecht
Classification: Benign. Review status: no assertion criteria provided. Collection method: clinical testing. Allele origin: germline. Affected: yes. Study: VKGL Data-share Consensus. Not counted in ClinVar's aggregate classification.

Joint Genome Diagnostic Labs from Nijmegen and Maastricht, Radboudumc and MUMC+
Classification: Benign. Review status: no assertion criteria provided. Collection method: clinical testing. Allele origin: germline. Affected: yes. Study: VKGL Data-share Consensus. Not counted in ClinVar's aggregate classification.

Literature cited by the submitters: DOI 10.3389/fgene.2022.834265 (cited by National Health Laboratory Service, Universitas Academic Hospital and University of the Free State); Ladopolou-et-al.,-Cancer-Lett,-185:61,-2002 (cited by Breast Cancer Information Core (BIC) (BRCA1)).

NM_007294.4(BRCA1):c.442-34C>T

Gene: BRCA1 (BRCA1 DNA repair associated; minus strand). Cytogenetic location: 17q21.31.
Variant type: single nucleotide variant.
Coding change: c.442-34C>T on transcript NM_007294.4 (MANE Select); 34 bases into the intron before coding-DNA position 442, C replaced by T.
Molecular consequence: intron variant.
Genome position (GRCh38, 1-based): chr17:43,099,914, G>A on the plus strand (C>T on the coding strand, the complement: BRCA1 is on the minus strand). VCF-style: chr17-43099914-G-A. GRCh37 (hg19) VCF-style: chr17-41251931-G-A.
Other names: IVS7-34C>T; IVS7-34C/T; IVS 7-34C>T; c.442-34C>T (NM_007300.3, NM_001408436.1, NM_001407665.1 and 97 more transcripts); c.301-34C>T (NM_001408458.1, NM_001407922.1, NM_001408469.1 and 61 more transcripts); c.-218-5054C>T (NM_001407967.1, NM_001407966.1); c.61-34C>T (NM_001407959.1, NM_001408512.1, NM_001408510.1 and 3 more transcripts); c.301-37C>T (NM_001407931.1, NM_001407747.1, NM_001408470.1 and 35 more transcripts); and 8 more.
Identifiers: ClinVar variation 125864 (VCV000125864.51), dbSNP rs799923, ClinGen allele CA002849.